The following is an entry in ClinVar:

ClinVar aggregate classification (germline): Likely benign. Review status: criteria provided, single submitter (1 of 4 stars). 2 submissions from 2 submitters: Likely benign (1). 1 of the submissions does not count toward it. Last evaluated 2025-09-23.

Conditions:
ROBO1-related disorder. Also called: ROBO1-related condition.

Allele frequency attached by ClinVar (database versions not stated): gnomAD exomes 0.00024; ExAC 0.00030; 1000 Genomes Project 30x 0.00109; gnomAD 0.00114 and 0.00126; 1000 Genomes Project 0.00120; ESP Exome Variant Server 0.00141; TOPMed 0.00147.
gnomAD v4.1: 346 of 1,607,760 alleles (0.022%); highest among the groups gnomAD compares: African/African-American, 0.4%; no homozygotes.

Submissions (2):

Labcorp Genetics (formerly Invitae), Labcorp
Classification: Likely benign. Last evaluated: 2025-09-23. Review status: criteria provided, single submitter. Criteria: Invitae Variant Classification Sherloc (09022015). Collection method: clinical testing. Allele origin: germline.

PreventionGenetics, part of Exact Sciences
Classification: Likely benign for ROBO1-related condition. Last evaluated: 2020-03-11. Review status: no assertion criteria provided. Collection method: clinical testing. Allele origin: germline. Not counted in ClinVar's aggregate classification.
Comment: This variant is classified as likely benign based on ACMG/AMP sequence variant interpretation guidelines (Richards et al. 2015 PMID: 25741868, with internal and published modifications).

NM_002941.4(ROBO1):c.88+6T>C

Gene: ROBO1 (roundabout guidance receptor 1; minus strand). Cytogenetic location: 3p12.3.
Variant type: single nucleotide variant.
Coding change: c.88+6T>C on transcript NM_002941.4 (MANE Select); 6 bases into the intron after coding-DNA position 88, T replaced by C.
Molecular consequence: intron variant.
Genome position (GRCh38, 1-based): chr3:79,589,818, A>G on the plus strand (T>C on the coding strand, the complement: ROBO1 is on the minus strand). VCF-style: chr3-79589818-A-G. GRCh37 (hg19) VCF-style: chr3-79638968-A-G.
Identifiers: ClinVar variation 791023 (VCV000791023.10), dbSNP rs113429038, ClinGen allele CA2499415.
Genomic context (GRCh38, chr3:79,589,818, plus strand): 5'-AAAGTGAATTTAAAGCAAAGAGGGAATACTGGTTAAGTATTGATGAAACAAATGCACAGC[A>G]CTTACCTGGAATAAGCTGGGCCAGAAACAGGTGATTTGGGGATAAGCTGAGGAGTGATAT-3'